The following is an entry in ClinVar:

ClinVar aggregate classification (germline): Pathogenic (1 of 4 stars; one submission).

Conditions:
LAMA2-related muscular dystrophy (LAMA2-RD). Also called: Laminin alpha 2-related dystrophy. Identifiers: MedGen C5679788, MONDO:0100228.

Submission:

Labcorp Genetics (formerly Invitae), Labcorp
Classification: Pathogenic for LAMA2-related muscular dystrophy. Last evaluated: 2023-12-10. Review status: criteria provided, single submitter. Criteria: Invitae Variant Classification Sherloc (09022015). Collection method: clinical testing. Allele origin: germline.
Comment: This variant is a gross deletion of the genomic region encompassing exon(s) 1 of the LAMA2 gene, which includes the initiator codon. This deletion extends beyond the assayed region for this gene and therefore may encompass additional genes. It is expected to result in an absent or disrupted protein product. Loss-of-function variants in LAMA2 are known to be pathogenic (PMID: 18700894, 32904964). A similar copy number variant has been observed in individual(s) with autosomal recessive congenital muscular dystrophy (PMID: 30301903). In at least one individual the data is consistent with being in trans (on the opposite chromosome) from a pathogenic variant. For these reasons, this variant has been classified as Pathogenic.

Literature cited by the submitters: PubMed 18700894; PubMed 32904964; PubMed 30301903.

NC_000006.11:g.(?_129204391)_(129204522_?)del

Gene: LAMA2 (laminin subunit alpha 2; plus strand). Cytogenetic location: 6q22.33.
Variant type: Deletion.
Identifiers: ClinVar variation 1457498 (VCV001457498.6).